The following is an entry in ClinVar:

ClinVar aggregate classification (germline): Pathogenic/Likely pathogenic. Review status: criteria provided, multiple submitters, no conflicts (2 of 4 stars). 4 submissions from 4 submitters: Pathogenic (2); Likely pathogenic (1). 1 of the submissions does not count toward it. Last evaluated 2022-03-31.

Conditions:
Hereditary spastic paraplegia 49 (HSAN9). Also called: Spastic paraplegia 49, autosomal recessive; NEUROPATHY, HEREDITARY SENSORY AND AUTONOMIC, TYPE IX, WITH DEVELOPMENTAL DELAY; TECPR2-Related Hereditary Sensory and Autonomic Neuropathy with Intellectual Disability. Identifiers: Orphanet 320385, MedGen C5190860, MONDO:0014016, OMIM 615031.

Submissions (4):

Labcorp Genetics (formerly Invitae), Labcorp
Classification: Pathogenic for Hereditary spastic paraplegia 49. Last evaluated: 2022-03-31. Review status: criteria provided, single submitter. Criteria: Invitae Variant Classification Sherloc (09022015). Collection method: clinical testing. Allele origin: germline.
Comment: This premature translational stop signal has been observed in individual(s) with TECPR2-related conditions (PMID: 32209221). For these reasons, this variant has been classified as Pathogenic. ClinVar contains an entry for this variant (Variation ID: 450814). This variant is present in population databases (no rsID available, gnomAD 0.0009%). This sequence change creates a premature translational stop signal (p.Lys343Argfs*2) in the TECPR2 gene. It is expected to result in an absent or disrupted protein product. Loss-of-function variants in TECPR2 are known to be pathogenic (PMID: 23176824, 25590979).

Institute of Human Genetics, University of Leipzig Medical Center
Classification: Likely pathogenic for Hereditary spastic paraplegia 49. Last evaluated: 2020-07-11. Review status: criteria provided, single submitter. Criteria: ACMG Guidelines, 2015. Collection method: curation. Allele origin: inherited. Inheritance: Autosomal recessive inheritance. Affected: yes. Observed: 1 compound heterozygote.
Comment: This frameshift variant c.1028_1032del, p.(Lys343Argfs*2) in exon 7/20 of TECPR2 has been previously reported in ClinVar as pathogenic (450814). In the general population the minor allele frequency is 0.000003986 (gnomAD). Biallelic truncating or missense variants have been described to cause "Spastic paraplegia 49, autosomal recessive" (Oz-Levi et al. Am J Hum Genet. 2012, PMID: 23176824). Taken together, we classify this variant as likely pathogenic based on the ACMG recommendations (Richards et al., 2015, PMID 25741868; criteria: PVS1 PM2).

GeneDx
Classification: Pathogenic. Last evaluated: 2017-07-24. Review status: criteria provided, single submitter. Criteria: GeneDx Variant Classification (06012015). Collection method: clinical testing. Allele origin: germline. Affected: yes.
Comment: The c.1028_1032delAAGGA variant in the TECPR2 gene has not been reported previously as a pathogenic variant nor as a benign variant, to our knowledge. The c.1028_1032delAAGGA variant causes a frameshift starting with codon Lysine 343, changes this amino acid to an Arginine residue, and creates a premature Stop codon at position 2 of the new reading frame, denoted p.Lys343ArgfsX2. This variant is predicted to cause loss of normal protein function either through protein truncation or nonsense-mediated mRNA decay. The c.1028_1032delAAGGA variant is not observed in large population cohorts (Lek et al., 2016; 1000 Genomes Consortium et al., 2015; Exome Variant Server). We interpret c.1028_1032delAAGGA as a pathogenic variant.

OMIM
Classification: Pathogenic for NEUROPATHY, HEREDITARY SENSORY AND AUTONOMIC, TYPE IX, WITH DEVELOPMENTAL DELAY. Last evaluated: 2021-09-16. Review status: no assertion criteria provided. Collection method: literature only. Allele origin: germline. Not counted in ClinVar's aggregate classification.

Literature cited by the submitters: PubMed 32209221 (cited by Labcorp Genetics (formerly Invitae), Labcorp and OMIM); PubMed 23176824 (cited by Labcorp Genetics (formerly Invitae), Labcorp); PubMed 25590979 (cited by Labcorp Genetics (formerly Invitae), Labcorp).

NM_014844.5(TECPR2):c.1028_1032del (p.Lys343fs)

Gene: TECPR2 (tectonin beta-propeller repeat containing 2; plus strand). Cytogenetic location: 14q32.31.
Variant type: Deletion.
Coding change: c.1028_1032del on transcript NM_014844.5 (MANE Select); coding-DNA positions 1028 to 1032, 5 bases deleted (AAGGA; older notation c.1028_1032delAAGGA).
Protein change: p.Lys343fs; shifts the reading frame from lysine 343.
Molecular consequence: frameshift variant.
Genome position (GRCh38, 1-based): chr14:102,428,326-102,428,330, AAGGA deleted; deleting any 5 consecutive bases within chr14:102,428,324-102,428,330 gives the same sequence; the c. name uses the placement nearest the transcript's 3' end. VCF-style (leftmost placement, unchanged base first): chr14-102428323-TGAAAG-T. GRCh37 (hg19) VCF-style: chr14-102894660-TGAAAG-T.
Other names: c.1028_1032delAAGGA (NM_001172631.3); c.1028_1032del, p.Lys343fs (NM_001172631.3); short protein forms K343fs.
Identifiers: ClinVar variation 450814 (VCV000450814.12), dbSNP rs1359602238, ClinGen allele CA616380045.